The following is an entry in ClinVar:

ClinVar aggregate classification (germline): Likely benign (1 of 4 stars; one submission).

Submission:

CeGaT Center for Human Genetics Tuebingen
Classification: Likely benign. Last evaluated: 2026-05-01. Review status: criteria provided, single submitter. Criteria: CeGaT Center For Human Genetics Tuebingen Variant Classification Criteria Version 2. Collection method: clinical testing. Allele origin: germline. Affected: yes. Observed: 1 variant allele.
Comment: GOLGA8T: BP4, BP7

NM_001355469.2(GOLGA8T):c.1641C>T (p.Ala547=)

Gene: GOLGA8T (golgin A8 family member T; plus strand). Cytogenetic location: 15q13.2.
Variant type: single nucleotide variant.
Coding change: c.1641C>T on transcript NM_001355469.2 (MANE Select); coding-DNA position 1641, C replaced by T.
Protein change: p.Ala547=; no amino-acid change (alanine 547 retained).
Molecular consequence: synonymous variant.
Genome position (GRCh38, 1-based): chr15:30,145,228, C>T. VCF-style: chr15-30145228-C-T. GRCh37 (hg19) VCF-style: chr15-30437431-C-T.
Identifiers: ClinVar variation 4874297 (VCV004874297.2).